The following is an entry in ClinVar:

NM_014231.5(VAMP1):c.341-2A>G

Genes: TAPBPL (TAP binding protein like; plus strand), VAMP1 (vesicle associated membrane protein 1; minus strand). Cytogenetic location: 12p13.31.
Variant type: single nucleotide variant.
Coding change: c.341-2A>G on transcript NM_014231.5 (MANE Select); the canonical splice acceptor site of the intron before coding-DNA position 341, A replaced by G.
Molecular consequence: splice acceptor variant. On other transcripts: 3 prime UTR variant (1), intron variant (2).
Genome position (GRCh38, 1-based): chr12:6,464,488, T>C on the plus strand (A>G on the coding strand, the complement: VAMP1 is on the minus strand). VCF-style: chr12-6464488-T-C. GRCh37 (hg19) VCF-style: chr12-6573654-T-C.
Other names: c.*388A>G (NM_199245.3); c.340+402A>G (NM_016830.4, NM_001297438.2).
Identifiers: ClinVar variation 2579154 (VCV002579154.4), dbSNP rs1213158610, ClinGen allele CA383558630.

ClinVar aggregate classification (germline): Uncertain significance. Review status: criteria provided, multiple submitters, no conflicts (2 of 4 stars). 2 submissions from 2 submitters: Uncertain significance (2). Last evaluated 2024-10-22.

Conditions:
Spastic paraplegia. Identifiers: MedGen C0037772, HP:0001258.
Myasthenic syndrome, congenital, 25, presynaptic. Also called: Myasthenic syndrome, congenital, 25. Identifiers: MedGen C5193027, MONDO:0032675, OMIM 618323.

Allele frequency attached by ClinVar (database versions not stated): gnomAD exomes below 0.00001.
gnomAD v4.1: 1 of 1,520,676 alleles (0.000066%); highest among the groups gnomAD compares: Non-Finnish European, 0.000088%; no homozygotes.

Submissions (2):

Labcorp Genetics (formerly Invitae), Labcorp
Classification: Uncertain significance for Spastic paraplegia. Last evaluated: 2024-10-22. Review status: criteria provided, single submitter. Criteria: Invitae Variant Classification Sherloc (09022015). Collection method: clinical testing. Allele origin: germline.
Comment: This sequence change affects an acceptor splice site in intron 4 of the VAMP1 gene. While this variant is not anticipated to result in nonsense mediated decay, it likely alters RNA splicing and results in a disrupted protein product. This variant is not present in population databases (gnomAD no frequency). This variant has not been reported in the literature in individuals affected with VAMP1-related conditions. ClinVar contains an entry for this variant (Variation ID: 2579154). Variants that disrupt the consensus splice site are a relatively common cause of aberrant splicing (PMID: 17576681, 9536098). In summary, the available evidence is currently insufficient to determine the role of this variant in disease. Therefore, it has been classified as a Variant of Uncertain Significance.

MVZ Martinsried, Medicover Genetics
Classification: Uncertain significance for Myasthenic syndrome, congenital, 25, presynaptic. Last evaluated: 2023-09-08. Review status: criteria provided, single submitter. Criteria: ACGS Guidelines, 2020. Collection method: clinical testing. Allele origin: inherited. Affected: yes. Observed: 1 homozygote.

Literature cited by the submitters: PubMed 17576681 (cited by Labcorp Genetics (formerly Invitae), Labcorp); PubMed 9536098 (cited by Labcorp Genetics (formerly Invitae), Labcorp).